The following is an entry in ClinVar:

ClinVar aggregate classification (germline): Pathogenic (1 of 4 stars; one submission).

Submission:

Labcorp Genetics (formerly Invitae), Labcorp
Classification: Pathogenic. Last evaluated: 2023-11-28. Review status: criteria provided, single submitter. Criteria: Invitae Variant Classification Sherloc (09022015). Collection method: clinical testing. Allele origin: unknown.
Comment: This variant is a gross deletion of the genomic region encompassing exon(s) 7-19 of the AUTS2 gene, which includes the termination codon. This deletion extends beyond the assayed region for this gene and therefore may encompass additional genes. While this deletion is not anticipated to lead to nonsense mediated decay, it is expected to alter mRNA translation or result in a truncated protein product. A similar copy number variant has been observed in individual(s) with intellectual disability (PMID: 23332918). In at least one individual the variant was observed to be de novo. For these reasons, this variant has been classified as Pathogenic.

Literature cited by the submitters: PubMed 23332918.

NC_000007.13:g.(?_70227836)_(70255982_?)del

Gene: AUTS2 (activator of transcription and developmental regulator AUTS2; plus strand). Cytogenetic location: 7q11.22.
Variant type: Deletion.
Identifiers: ClinVar variation 3245914 (VCV003245914.1).